The following is an entry in ClinVar:

NM_004168.4(SDHA):c.1953G>A (p.Glu651=)

Gene: SDHA (succinate dehydrogenase complex flavoprotein subunit A; plus strand). Cytogenetic location: 5p15.33.
Variant type: single nucleotide variant.
Coding change: c.1953G>A on transcript NM_004168.4 (MANE Select); coding-DNA position 1953, G replaced by A.
Protein change: p.Glu651=; no amino-acid change (glutamic acid 651 retained).
Molecular consequence: synonymous variant.
Genome position (GRCh38, 1-based): chr5:256,378, G>A. VCF-style: chr5-256378-G-A. GRCh37 (hg19) VCF-style: chr5-256493-G-A.
Other names: c.1809G>A, p.Glu603= (NM_001294332.2); c.1710G>A, p.Glu570= (NM_001330758.2).
Identifiers: ClinVar variation 820403 (VCV000820403.13), dbSNP rs1579448683, ClinGen allele CA442659520.

ClinVar aggregate classification (germline): Benign/Likely benign. Review status: criteria provided, multiple submitters, no conflicts (2 of 4 stars). 3 submissions from 3 submitters: Benign (1); Likely benign (2). Last evaluated 2025-03-16.

Conditions:
Pheochromocytoma/paraganglioma syndrome 5. Also called: Paragangliomas 5; SDHA-Related Hereditary Paraganglioma-Pheochromocytoma Syndrome. Identifiers: Orphanet 29072, MedGen C3279992, MONDO:0013602, OMIM 614165.
Mitochondrial complex II deficiency, nuclear type 1. Also called: SUCCINATE CoQ REDUCTASE DEFICIENCY. Identifiers: Orphanet 3208, MedGen C5700310, MONDO:0100294, OMIM 252011.
Hereditary cancer-predisposing syndrome. Also called: Tumor predisposition; Hereditary neoplastic syndrome; Neoplastic Syndromes, Hereditary; Hereditary Cancer Syndrome. Identifiers: Orphanet 140162, MedGen C0027672, MeSH D009386, MONDO:0015356.

Allele frequency attached by ClinVar (database versions not stated): gnomAD exomes below 0.00001.
gnomAD v4.1: 2 of 1,613,930 alleles (0.00012%); highest among the groups gnomAD compares: Non-Finnish European, 0.00017%; no homozygotes.

Submissions (3):

Labcorp Genetics (formerly Invitae), Labcorp
Classification: Likely benign for Pheochromocytoma/paraganglioma syndrome 5; Mitochondrial complex II deficiency, nuclear type 1. Last evaluated: 2025-03-16. Review status: criteria provided, single submitter. Criteria: Invitae Variant Classification Sherloc (09022015). Collection method: clinical testing. Allele origin: germline.

Myriad Genetics, Inc.
Classification: Benign for Pheochromocytoma/paraganglioma syndrome 5. Last evaluated: 2025-03-11. Review status: criteria provided, single submitter. Criteria: Myriad Autosomal Dominant, Autosomal Recessive and X-Linked Classification Criteria (2023). Collection method: clinical testing. Allele origin: unknown.
Comment: This variant is considered benign. This variant is a silent/synonymous amino acid change and it is not expected to impact splicing.

Ambry Genetics
Classification: Likely benign for Hereditary cancer-predisposing syndrome. Last evaluated: 2019-08-26. Review status: criteria provided, single submitter. Criteria: Ambry Variant Classification Scheme 2023. Collection method: clinical testing. Allele origin: germline.